The following is an entry in ClinVar:

ClinVar aggregate classification (germline): Uncertain significance. Review status: criteria provided, multiple submitters, no conflicts (2 of 4 stars). 3 submissions from 3 submitters: Uncertain significance (3). Last evaluated 2025-11-16.

Conditions:
Familial adenomatous polyposis 1 (FAP1). Also called: POLYPOSIS, ADENOMATOUS INTESTINAL; FAMILIAL ADENOMATOUS POLYPOSIS 1, ATTENUATED. Identifiers: MedGen C2713442, MONDO:0021056, OMIM 175100. Disease mechanism: loss of function.
Hereditary cancer-predisposing syndrome. Also called: Hereditary neoplastic syndrome; Neoplastic Syndromes, Hereditary; Tumor predisposition; Hereditary Cancer Syndrome. Identifiers: Orphanet 140162, MedGen C0027672, MeSH D009386, MONDO:0015356.

Submissions (3):

Labcorp Genetics (formerly Invitae), Labcorp
Classification: Uncertain significance for Familial adenomatous polyposis 1. Last evaluated: 2025-11-16. Review status: criteria provided, single submitter. Criteria: Invitae Variant Classification Sherloc (09022015). Collection method: clinical testing. Allele origin: germline.
Comment: This sequence change replaces leucine, which is neutral and non-polar, with proline, which is neutral and non-polar, at codon 87 of the APC protein (p.Leu87Pro). This variant is not present in population databases (gnomAD no frequency). This variant has not been reported in the literature in individuals affected with APC-related conditions. ClinVar contains an entry for this variant (Variation ID: 469759). Invitae Evidence Modeling of protein sequence and biophysical properties (such as structural, functional, and spatial information, amino acid conservation, physicochemical variation, residue mobility, and thermodynamic stability) indicates that this missense variant is not expected to disrupt APC protein function with a negative predictive value of 95%. In summary, the available evidence is currently insufficient to determine the role of this variant in disease. Therefore, it has been classified as a Variant of Uncertain Significance.

Baylor Genetics
Classification: Uncertain significance for Familial adenomatous polyposis 1. Last evaluated: 2024-02-28. Review status: criteria provided, single submitter. Criteria: ACMG Guidelines, 2015. Collection method: clinical testing. Allele origin: unknown.

Ambry Genetics
Classification: Uncertain significance for Hereditary cancer-predisposing syndrome. Last evaluated: 2023-10-20. Review status: criteria provided, single submitter. Criteria: Ambry Variant Classification Scheme 2023. Collection method: clinical testing. Allele origin: germline.
Comment: The p.L87P variant (also known as c.260T>C), located in coding exon 3 of the APC gene, results from a T to C substitution at nucleotide position 260. The leucine at codon 87 is replaced by proline, an amino acid with similar properties. This amino acid position is conserved. In addition, in silico predictors for this gene do not accurately predict pathogenicity. Since supporting evidence is limited at this time, the clinical significance of this alteration remains unclear.

NM_000038.6(APC):c.260T>C (p.Leu87Pro)

Gene: APC (APC regulator of Wnt signaling pathway; plus strand). Cytogenetic location: 5q22.2.
Variant type: single nucleotide variant.
Coding change: c.260T>C on transcript NM_000038.6 (MANE Select); coding-DNA position 260, T replaced by C.
Protein change: p.Leu87Pro; replaces leucine 87 with proline.
Molecular consequence: missense variant. On other transcripts: 5 prime UTR variant (1).
Genome position (GRCh38, 1-based): chr5:112,767,228, T>C. VCF-style: chr5-112767228-T-C. GRCh37 (hg19) VCF-style: chr5-112102925-T-C.
Other names: c.260T>C, p.Leu87Pro (NM_001127510.3, NM_001354895.2, NM_001354896.2 and 2 more transcripts); c.290T>C, p.Leu97Pro (NM_001127511.3, NM_001354897.2, NM_001354902.2); c.185T>C, p.Leu62Pro (NM_001354898.2, NM_001354904.2); c.83T>C, p.Leu28Pro (NM_001354900.2, NM_001354901.2, NM_001354905.2); c.-776T>C (NM_001354906.2); short protein forms L87P, L97P, L28P, L62P.
Identifiers: ClinVar variation 469759 (VCV000469759.13), dbSNP rs777456713, ClinGen allele CA16021913.
Genomic context (GRCh38, chr5:112,767,228, plus strand): 5'-ACTTGTTTCTATTTTATTTAGAGCTTAACTTAGATAGCAGTAATTTCCCTGGAGTAAAAC[T>C]GCGGTCAAAAATGTCCCTCCGTTCTTATGGAAGCCGGGAAGGATCTGTATCAAGCCGTTC-3'
Protein context (NP_000029.2, residues 77-97): LDSSNFPGVK[Leu87Pro]RSKMSLRSYG